The following is an entry in ClinVar:

ClinVar aggregate classification (germline): Benign/Likely benign. Review status: criteria provided, multiple submitters, no conflicts (2 of 4 stars). 9 submissions from 8 submitters: Benign (3); Likely benign (4). 2 of the submissions do not count toward it. Last evaluated 2026-01-26.

Conditions:
Hereditary cancer-predisposing syndrome. Also called: Hereditary neoplastic syndrome; Tumor predisposition; Neoplastic Syndromes, Hereditary; Hereditary Cancer Syndrome. Identifiers: Orphanet 140162, MedGen C0027672, MeSH D009386, MONDO:0015356.
PTCH1-related disorder. Also called: PTCH1-related disorders; PTCH1-related condition.
Holoprosencephaly 7 (HPE7). Identifiers: Orphanet 2162, MedGen C1835820, MONDO:0012562, OMIM 610828.
Basal cell nevus syndrome 1 (BCNS1). Also called: GORLIN-GOLTZ SYNDROME; MULTIPLE BASAL CELL NEVI, ODONTOGENIC KERATOCYSTS, AND SKELETAL ANOMALIES. Identifiers: MedGen CN376810, MONDO:0958174, OMIM 109400.
Basal cell carcinoma, susceptibility to, 1. Also called: BCC1. Identifiers: MedGen C2751544, MONDO:0011556, OMIM 605462.
Gorlin syndrome. Also called: Nevoid Basal Cell Carcinoma Syndrome; Basal cell nevus syndrome. Identifiers: Orphanet 377, MedGen C0004779, MONDO:0007187.

Allele frequency attached by ClinVar (database versions not stated): gnomAD 0.00001 and 0.00012; TOPMed 0.00002; gnomAD exomes 0.00042; ExAC 0.00045; 1000 Genomes Project 30x 0.00062; 1000 Genomes Project 0.00080.
gnomAD v4.1: 340 of 1,614,224 alleles (0.021%); highest among the groups gnomAD compares: South Asian, 0.35%; 2 homozygotes.

Submissions (9):

Labcorp Genetics (formerly Invitae), Labcorp
Classification: Benign for Gorlin syndrome. Last evaluated: 2026-01-26. Review status: criteria provided, single submitter. Criteria: Invitae Variant Classification Sherloc (09022015). Collection method: clinical testing. Allele origin: germline.

Blueprint Genetics
Classification: Likely benign. Last evaluated: 2023-06-15. Review status: criteria provided, single submitter. Criteria: ACMG Guidelines, 2015. Collection method: clinical testing. Allele origin: germline.

Department of Pathology and Laboratory Medicine, Sinai Health System
Classification: Likely benign for Basal cell nevus syndrome 1; Basal cell carcinoma, susceptibility to, 1; Holoprosencephaly 7. Last evaluated: 2022-07-26. Review status: criteria provided, single submitter. Criteria: ACMG Guidelines, 2015. Collection method: clinical testing. Allele origin: germline. Affected: no.

Sema4
Classification: Likely benign for Hereditary cancer-predisposing syndrome. Last evaluated: 2022-03-13. Review status: criteria provided, single submitter. Criteria: Sema4 Curation Guidelines. Collection method: curation. Allele origin: germline.

Ambry Genetics
Classification: Likely benign for Hereditary cancer-predisposing syndrome. Last evaluated: 2018-08-27. Review status: criteria provided, single submitter. Criteria: Ambry Variant Classification Scheme 2023. Collection method: clinical testing. Allele origin: germline.

Illumina Laboratory Services, Illumina
Classification: Benign for Basal cell nevus syndrome 1. Last evaluated: 2017-04-27. Review status: criteria provided, single submitter. Criteria: ICSL Variant Classification Criteria 13 December 2019. Collection method: clinical testing. Allele origin: germline.
Comment: This variant was observed as part of a predisposition screen in an ostensibly healthy population. A literature search was performed for the gene, cDNA change, and amino acid change (where applicable). No publications were found based on this search. Allele frequency data from public databases was too high to be consistent with this variant causing disease. Therefore, this variant is classified as benign.

Illumina Laboratory Services, Illumina
Classification: Benign for Holoprosencephaly 7. Last evaluated: 2017-04-27. Review status: criteria provided, single submitter. Criteria: ICSL Variant Classification Criteria 13 December 2019. Collection method: clinical testing. Allele origin: germline.
Comment: This variant was observed as part of a predisposition screen in an ostensibly healthy population. A literature search was performed for the gene, cDNA change, and amino acid change (where applicable). Publications were found based on this search. The evidence from the literature, in combination with allele frequency data from public databases where available, was sufficient to rule this variant out of causing disease. Therefore, this variant is classified as benign.

PreventionGenetics, part of Exact Sciences
Classification: Likely benign for PTCH1-related condition. Last evaluated: 2020-03-10. Review status: no assertion criteria provided. Collection method: clinical testing. Allele origin: germline. Not counted in ClinVar's aggregate classification.
Comment: This variant is classified as likely benign based on ACMG/AMP sequence variant interpretation guidelines (Richards et al. 2015 PMID: 25741868, with internal and published modifications).

OMIM
Classification: Pathogenic for HOLOPROSENCEPHALY 7. Last evaluated: 2002-04-01. Review status: no assertion criteria provided. Collection method: literature only. Allele origin: germline. Not counted in ClinVar's aggregate classification.

Literature cited by the submitters: PubMed 11941477 (cited by Illumina Laboratory Services, Illumina and OMIM); PubMed 19346217 (cited by Illumina Laboratory Services, Illumina).

NM_000264.5(PTCH1):c.1177G>A (p.Ala393Thr)

Gene: PTCH1 (patched 1; minus strand). Cytogenetic location: 9q22.32.
Variant type: single nucleotide variant.
Coding change: c.1177G>A on transcript NM_000264.5 (MANE Select); coding-DNA position 1177, G replaced by A.
Protein change: p.Ala393Thr; replaces alanine 393 with threonine.
Molecular consequence: missense variant. On other transcripts: non-coding transcript variant (1).
Genome position (GRCh38, 1-based): chr9:95,479,038, C>T on the plus strand (G>A on the coding strand, the complement: PTCH1 is on the minus strand). VCF-style: chr9-95479038-C-T. GRCh37 (hg19) VCF-style: chr9-98241320-C-T.
Other names: c.979G>A, p.Ala327Thr (NM_001083602.3); c.1174G>A, p.Ala392Thr (NM_001083603.3); c.724G>A, p.Ala242Thr (NM_001083604.3, NM_001083605.3, NM_001083606.3 and 1 more transcripts); c.1177G>A, p.Ala393Thr (NM_001354918.2); short protein forms A393T, A327T, A392T, A242T.
Identifiers: ClinVar variation 8221 (VCV000008221.24), dbSNP rs199476091, ClinGen allele CA254347.